The following is an entry in ClinVar:

NM_138691.3(TMC1):c.2066T>C (p.Met689Thr)

Gene: TMC1 (transmembrane channel like 1; plus strand). Cytogenetic location: 9q21.13.
Variant type: single nucleotide variant.
Coding change: c.2066T>C on transcript NM_138691.3 (MANE Select); coding-DNA position 2066, T replaced by C.
Protein change: p.Met689Thr; replaces methionine 689 with threonine.
Molecular consequence: missense variant.
Genome position (GRCh38, 1-based): chr9:72,826,931, T>C. VCF-style: chr9-72826931-T-C. GRCh37 (hg19) VCF-style: chr9-75441847-T-C.
Other names: c.2066T>C (NM_138691.2); short protein forms M689T.
Identifiers: ClinVar variation 3612221 (VCV003612221.3).

ClinVar aggregate classification (germline): Uncertain significance. Review status: criteria provided, multiple submitters, no conflicts (2 of 4 stars). 2 submissions from 2 submitters: Uncertain significance (2). Last evaluated 2025-04-25.

gnomAD v4.1: 17 of 1,614,138 alleles (0.0011%); highest among the groups gnomAD compares: South Asian, 0.0033%; no homozygotes.

Submissions (2):

GeneDx
Classification: Uncertain significance. Last evaluated: 2025-04-25. Review status: criteria provided, single submitter. Criteria: GeneDx Variant Classification Process June 2021. Collection method: clinical testing. Allele origin: germline. Affected: yes.
Comment: In silico analysis indicates that this missense variant does not alter protein structure/function; Has not been previously published as pathogenic or benign to our knowledge

Labcorp Genetics (formerly Invitae), Labcorp
Classification: Uncertain significance. Last evaluated: 2024-12-13. Review status: criteria provided, single submitter. Criteria: Invitae Variant Classification Sherloc (09022015). Collection method: clinical testing. Allele origin: germline.
Comment: This sequence change replaces methionine, which is neutral and non-polar, with threonine, which is neutral and polar, at codon 689 of the TMC1 protein (p.Met689Thr). This variant is present in population databases (rs755369550, gnomAD 0.003%). This variant has not been reported in the literature in individuals affected with TMC1-related conditions. Invitae Evidence Modeling of protein sequence and biophysical properties (such as structural, functional, and spatial information, amino acid conservation, physicochemical variation, residue mobility, and thermodynamic stability) indicates that this missense variant is not expected to disrupt TMC1 protein function with a negative predictive value of 80%. In summary, the available evidence is currently insufficient to determine the role of this variant in disease. Therefore, it has been classified as a Variant of Uncertain Significance.